The following is an entry in ClinVar:

NM_005912.3(MC4R):c.727G>A (p.Gly243Arg)

Gene: MC4R (melanocortin 4 receptor; minus strand). Cytogenetic location: 18q21.32.
Variant type: single nucleotide variant.
Coding change: c.727G>A on transcript NM_005912.3 (MANE Select); coding-DNA position 727, G replaced by A.
Protein change: p.Gly243Arg; replaces glycine 243 with arginine.
Molecular consequence: missense variant.
Genome position (GRCh38, 1-based): chr18:60,371,623, C>T on the plus strand (G>A on the coding strand, the complement: MC4R is on the minus strand). VCF-style: chr18-60371623-C-T. GRCh37 (hg19) VCF-style: chr18-58038856-C-T.
Other names: short protein forms G243R.
Identifiers: ClinVar variation 2504957 (VCV002504957.1), dbSNP rs868309222, ClinGen allele CA301530020.
Genomic context (GRCh38, chr18:60,371,623, plus strand): 5'-GGAAGAATGGGGCCCAGCAGACAACAAAGACGCCAATCAGGATGGTCAAGGTAATCGCTC[C>T]CTTCATATTGGCACCTTGGCGGATGGCACCAGTGCCGGGGAGGACAGCAATCCTCTTAAT-3'
Protein context (NP_005903.2, residues 233-253): GAIRQGANMK[Gly243Arg]AITLTILIGV

ClinVar aggregate classification (germline): Uncertain significance (1 of 4 stars; one submission).

Allele frequency attached by ClinVar (database versions not stated): gnomAD exomes below 0.00001.
gnomAD v4.1: 1 of 1,614,196 alleles (0.000062%); highest among the groups gnomAD compares: Admixed American, 0.0017%; no homozygotes.

Submission:

GeneDx
Classification: Uncertain significance. Last evaluated: 2022-12-06. Review status: criteria provided, single submitter. Criteria: GeneDx Variant Classification Process June 2021. Collection method: clinical testing. Allele origin: germline. Affected: yes.
Comment: Not observed at significant frequency in large population cohorts (gnomAD); In silico analysis supports that this missense variant has a deleterious effect on protein structure/function; Has not been previously published as pathogenic or benign to our knowledge